The following is an entry in ClinVar:

NM_001378454.1(ALMS1):c.2658A>G (p.Lys886=)

Gene: ALMS1 (ALMS1 centrosome and basal body associated protein; plus strand). Cytogenetic location: 2p13.1.
Variant type: single nucleotide variant.
Coding change: c.2658A>G on transcript NM_001378454.1 (MANE Select); coding-DNA position 2658, A replaced by G.
Protein change: p.Lys886=; no amino-acid change (lysine 886 retained).
Molecular consequence: synonymous variant.
Genome position (GRCh38, 1-based): chr2:73,449,185, A>G. VCF-style: chr2-73449185-A-G. GRCh37 (hg19) VCF-style: chr2-73676312-A-G.
Other names: c.2661A>G, p.Lys887= (NM_015120.4).
Identifiers: ClinVar variation 240989 (VCV000240989.20), dbSNP rs80133984, ClinGen allele CA1713391.

ClinVar aggregate classification (germline): Benign/Likely benign. Review status: criteria provided, multiple submitters, no conflicts (2 of 4 stars). 8 submissions from 8 submitters: Benign (2); Likely benign (4). 2 of the submissions do not count toward it. Last evaluated 2026-08-01.

Conditions:
Cardiovascular phenotype. Identifiers: MedGen CN230736.
Alstrom syndrome (ALMS). Identifiers: Orphanet 64, MedGen C0268425, MONDO:0008763, OMIM 203800.

Allele frequency attached by ClinVar (database versions not stated): gnomAD exomes 0.00020 and 0.00061; ExAC 0.00072; ESP Exome Variant Server 0.00218; gnomAD 0.00244 and 0.00262; TOPMed 0.00261; 1000 Genomes Project 0.00300; 1000 Genomes Project 30x 0.00328.
gnomAD v4.1: 667 of 1,614,146 alleles (0.041%); highest among the groups gnomAD compares: African/African-American, 0.81%; 5 homozygotes.

Submissions (8):

CeGaT Center for Human Genetics Tuebingen
Classification: Likely benign. Last evaluated: 2026-08-01. Review status: criteria provided, single submitter. Criteria: CeGaT Center For Human Genetics Tuebingen Variant Classification Criteria Version 2. Collection method: clinical testing. Allele origin: germline. Affected: yes. Observed: 1 variant allele.
Comment: ALMS1: BP4, BP7

Labcorp Genetics (formerly Invitae), Labcorp
Classification: Benign for Alstrom syndrome. Last evaluated: 2026-02-02. Review status: criteria provided, single submitter. Criteria: Invitae Variant Classification Sherloc (09022015). Collection method: clinical testing. Allele origin: germline.

Blueprint Genetics
Classification: Likely benign. Last evaluated: 2024-07-05. Review status: criteria provided, single submitter. Criteria: ACMG Guidelines, 2015. Collection method: clinical testing. Allele origin: germline.

GeneDx
Classification: Likely benign. Last evaluated: 2021-03-31. Review status: criteria provided, single submitter. Criteria: GeneDx Variant Classification Process June 2021. Collection method: clinical testing. Allele origin: germline. Affected: yes.

Ambry Genetics
Classification: Likely benign for Cardiovascular phenotype. Last evaluated: 2019-03-19. Review status: criteria provided, single submitter. Criteria: Ambry Variant Classification Scheme 2023. Collection method: clinical testing. Allele origin: germline.

Women's Health and Genetics/Laboratory Corporation of America, LabCorp
Classification: Benign. Last evaluated: 2018-07-30. Review status: criteria provided, single submitter. Criteria: LabCorp Variant Classification Summary - May 2015. Collection method: clinical testing. Allele origin: germline.
Comment: Variant summary: ALMS1 c.2655A>G (alternative c.2661A>G) alters a non-conserved nucleotide resulting in a synonymous change. The variant allele was found at a frequency of 0.00081 in 276666 control chromosomes, and was predominantly within the African subpopulation in the gnomAD database at a frequency of 0.0084, including 2 homozygotes. The observed variant frequency within African control individuals is approximately 3.8-fold above the estimated maximal expected allele frequency for a pathogenic variant in ALMS1 causing Cardiomyopathy phenotype (0.0022), strongly suggesting that the variant is a benign polymorphism found primarily in populations of African origin. To our knowledge, no occurrence of c.2655A>G in individuals affected with Cardiomyopathy and no experimental evidence demonstrating its impact on protein function have been reported. Two clinical diagnostic laboratories have submitted clinical-significance assessments for this variant to ClinVar after 2014 without evidence for independent evaluation, and both classified the variant as benign/likely benign. Based on the evidence outlined above, the variant was classified as benign.

Clinical Genetics, Academic Medical Center
Classification: Likely benign. Review status: no assertion criteria provided. Collection method: clinical testing. Allele origin: germline. Affected: yes. Study: VKGL Data-share Consensus. Not counted in ClinVar's aggregate classification.

Genome Diagnostics Laboratory, University Medical Center Utrecht
Classification: Likely benign. Review status: no assertion criteria provided. Collection method: clinical testing. Allele origin: germline. Affected: yes. Study: VKGL Data-share Consensus. Not counted in ClinVar's aggregate classification.